The following is an entry in ClinVar:

ClinVar aggregate classification (germline): Uncertain significance. Review status: criteria provided, multiple submitters, no conflicts (2 of 4 stars). 2 submissions from 2 submitters: Uncertain significance (2). Last evaluated 2024-07-05.

Submissions (2):

GeneDx
Classification: Uncertain significance. Last evaluated: 2024-07-05. Review status: criteria provided, single submitter. Criteria: GeneDx Variant Classification Process June 2021. Collection method: clinical testing. Allele origin: germline. Affected: yes.
Comment: Not observed at significant frequency in large population cohorts (gnomAD); In silico analysis indicates that this missense variant does not alter protein structure/function; Has not been previously published as pathogenic or benign to our knowledge

Blueprint Genetics
Classification: Uncertain significance. Last evaluated: 2018-01-07. Review status: criteria provided, single submitter. Criteria: ACMG Guidelines, 2015. Collection method: clinical testing. Allele origin: germline.

NM_000188.3(HK1):c.2260G>A (p.Val754Ile)

Gene: HK1 (hexokinase 1; plus strand). Cytogenetic location: 10q22.1.
Variant type: single nucleotide variant.
Coding change: c.2260G>A on transcript NM_000188.3 (MANE Select); coding-DNA position 2260, G replaced by A.
Protein change: p.Val754Ile; replaces valine 754 with isoleucine.
Molecular consequence: missense variant.
Genome position (GRCh38, 1-based): chr10:69,394,990, G>A. VCF-style: chr10-69394990-G-A. GRCh37 (hg19) VCF-style: chr10-71154746-G-A.
Other names: c.2272G>A, p.Val758Ile (NM_001322364.2, NM_001358263.1, NM_033497.3 and 1 more transcripts); c.2365G>A, p.Val789Ile (NM_001322365.2); c.2176G>A, p.Val726Ile (NM_001322366.1); c.2164G>A, p.Val722Ile (NM_001322367.1); c.2257G>A, p.Val753Ile (NM_033496.3); c.2224G>A, p.Val742Ile (NM_033500.2); short protein forms V754I, V722I, V742I, V753I, V758I, V789I, V726I.
Identifiers: ClinVar variation 3393899 (VCV003393899.2).